The following is an entry in ClinVar:

NM_001378454.1(ALMS1):c.7569del (p.His2523fs)

Gene: ALMS1 (ALMS1 centrosome and basal body associated protein; plus strand). Cytogenetic location: 2p13.1.
Variant type: Deletion.
Coding change: c.7569del on transcript NM_001378454.1 (MANE Select); coding-DNA position 7569, one base deleted (T; older notation c.7569delT).
Protein change: p.His2523fs; shifts the reading frame from histidine 2523.
Molecular consequence: frameshift variant.
Genome position (GRCh38, 1-based): chr2:73,455,190, T deleted. VCF-style (leftmost placement, unchanged base first): chr2-73455189-AT-A. GRCh37 (hg19) VCF-style: chr2-73682316-AT-A.
Other names: c.7572del, p.His2524fs (NM_015120.4); short protein forms H2524fs, H2523fs.
Identifiers: ClinVar variation 4712864 (VCV004712864.1).

ClinVar aggregate classification (germline): Pathogenic (1 of 4 stars; one submission).

Conditions:
Alstrom syndrome (ALMS). Identifiers: Orphanet 64, MedGen C0268425, MONDO:0008763, OMIM 203800.

Submission:

Labcorp Genetics (formerly Invitae), Labcorp
Classification: Pathogenic for Alstrom syndrome. Last evaluated: 2025-02-12. Review status: criteria provided, single submitter. Criteria: Invitae Variant Classification Sherloc (09022015). Collection method: clinical testing. Allele origin: germline.
Comment: This sequence change creates a premature translational stop signal (p.His2524Glnfs*10) in the ALMS1 gene. It is expected to result in an absent or disrupted protein product. Loss-of-function variants in ALMS1 are known to be pathogenic (PMID: 17594715). This variant is not present in population databases (gnomAD no frequency). This variant has not been reported in the literature in individuals affected with ALMS1-related conditions. For these reasons, this variant has been classified as Pathogenic.

Literature cited by the submitters: PubMed 17594715.